The following is an entry in ClinVar:

NM_001127222.2(CACNA1A):c.1413G>A (p.Lys471=)

Gene: CACNA1A (calcium voltage-gated channel subunit alpha1 A; minus strand). Cytogenetic location: 19p13.13.
Variant type: single nucleotide variant.
Coding change: c.1413G>A on transcript NM_001127222.2 (MANE Select); coding-DNA position 1413, G replaced by A.
Protein change: p.Lys471=; no amino-acid change (lysine 471 retained).
Molecular consequence: synonymous variant.
Genome position (GRCh38, 1-based): chr19:13,317,254, C>T on the plus strand (G>A on the coding strand, the complement: CACNA1A is on the minus strand). VCF-style: chr19-13317254-C-T. GRCh37 (hg19) VCF-style: chr19-13428068-C-T.
Other names: c.1416G>A, p.Lys472= (NM_000068.4, NM_001127221.2, NM_001174080.2 and 1 more transcripts).
Identifiers: ClinVar variation 3749150 (VCV003749150.9).

ClinVar aggregate classification (germline): Likely benign. Review status: criteria provided, multiple submitters, no conflicts (2 of 4 stars). 2 submissions from 2 submitters: Likely benign (2). Last evaluated 2025-04-01.

Conditions:
Episodic ataxia type 2 (EA2). Also called: ATAXIA, EPISODIC, WITH NYSTAGMUS; ATAXIA, FAMILIAL PAROXYSMAL; CEREBELLAR ATAXIA, PAROXYSMAL, ACETAZOLAMIDE-RESPONSIVE; CEREBELLOPATHY, HEREDITARY PAROXYSMAL; EPISODIC ATAXIA, NYSTAGMUS-ASSOCIATED; ACETAZOLAMIDE-RESPONSIVE HEREDITARY PAROXYSMAL CEREBELLAR ATAXIA. Identifiers: Orphanet 97, MedGen C1720416, MONDO:0007163, OMIM 108500.
Developmental and epileptic encephalopathy, 42 (DEE42A). Also called: EPILEPTIC ENCEPHALOPATHY, EARLY INFANTILE, 42A; DEVELOPMENTAL AND EPILEPTIC ENCEPHALOPATHY 42A; Epileptic encephalopathy, early infantile, 42. Identifiers: MedGen C4310716, MONDO:0014917, OMIM 617106.

gnomAD v4.1: 4 of 1,613,188 alleles (0.00025%); highest among the groups gnomAD compares: Non-Finnish European, 0.00034%; no homozygotes.

Submissions (2):

CeGaT Center for Human Genetics Tuebingen
Classification: Likely benign. Last evaluated: 2025-04-01. Review status: criteria provided, single submitter. Criteria: CeGaT Center For Human Genetics Tuebingen Variant Classification Criteria Version 2. Collection method: clinical testing. Allele origin: germline. Affected: yes. Observed: 1 variant allele.
Comment: CACNA1A: BP4, BP7

Labcorp Genetics (formerly Invitae), Labcorp
Classification: Likely benign for Developmental and epileptic encephalopathy, 42; Episodic ataxia type 2. Last evaluated: 2024-07-08. Review status: criteria provided, single submitter. Criteria: Invitae Variant Classification Sherloc (09022015). Collection method: clinical testing. Allele origin: germline.